The following is an entry in ClinVar:

ClinVar aggregate classification (germline): Conflicting classifications of pathogenicity. Review status: criteria provided, conflicting classifications (1 of 4 stars). 3 submissions from 3 submitters: Pathogenic (1); Uncertain significance (1). 1 of the submissions does not count toward it. Last evaluated 2023-02-06.

Conditions:
Intellectual developmental disorder with dysmorphic facies and behavioral abnormalities. Identifiers: MedGen C4748135, MONDO:0060760, OMIM 618089.
Neurodevelopmental disorder. Identifiers: MedGen C1535926, MeSH D065886, MONDO:0700092.

Submissions (3):

Institute of Human Genetics, University of Leipzig Medical Center
Classification: Pathogenic for Intellectual developmental disorder with dysmorphic facies and behavioral abnormalities. Last evaluated: 2023-02-06. Review status: criteria provided, single submitter. Criteria: ACMG Guidelines, 2015. Collection method: clinical testing. Allele origin: paternal. Affected: yes.
Comment: This variant was identified together with the variants: _x000D_NM_013450.4:c.5797-1G>C and NM_020822.3:c.2686A>G. Criteria applied: PVS1, PS4_SUP, PM2_SUP

CeGaT Center for Human Genetics Tuebingen
Classification: Uncertain significance. Last evaluated: 2019-10-01. Review status: criteria provided, single submitter. Criteria: CeGaT Center For Human Genetics Tuebingen Variant Classification Criteria Version 2. Collection method: clinical testing. Allele origin: germline. Affected: yes. Observed: 2 variant alleles.

University of Washington Center for Mendelian Genomics, University of Washington
Classification: Likely pathogenic for Neurodevelopmental Disorder. Review status: no assertion criteria provided. Collection method: research. Allele origin: de novo. Affected: yes. Not counted in ClinVar's aggregate classification.

Literature cited by the submitters: PubMed 30057029 (cited by University of Washington Center for Mendelian Genomics, University of Washington).

NM_001190274.2(FBXO11):c.319_320del (p.Leu107fs)

Gene: FBXO11 (F-box protein 11; minus strand). Cytogenetic location: 2p16.3.
Variant type: Deletion.
Coding change: c.319_320del on transcript NM_001190274.2 (MANE Select); coding-DNA positions 319 to 320, 2 bases deleted (TT; older notation c.319_320delTT).
Protein change: p.Leu107fs; shifts the reading frame from leucine 107.
Molecular consequence: frameshift variant.
Genome position (GRCh38, 1-based): chr2:47,839,682-47,839,683, AA deleted on the plus strand (TT on the coding strand, the reverse complement: FBXO11 is on the minus strand); deleting any 2 consecutive bases within chr2:47,839,682-47,839,685 gives the same sequence; the c. name uses the placement nearest the transcript's 3' end. VCF-style (leftmost placement, unchanged base first): chr2-47839681-CAA-C. GRCh37 (hg19) VCF-style: chr2-48066820-CAA-C.
Other names: c.67_68del, p.Leu23fs (NM_001374325.1, NM_025133.4); short protein forms L107fs, L23fs.
Identifiers: ClinVar variation 872797 (VCV000872797.43), dbSNP rs1672866585, ClinGen allele CA658820927.
Genomic context (GRCh38, chr2:47,839,681, plus strand): 5'-AGCAACTACAGTTAAAGTTACCTCCATACTGTTCTTTGTGGGACACGCTGTTCTTTTCGG[CAA>C]AAGAGTTTTTCTACGAAGTTGGTATGGACTATTTTGTGCACCAGGACCTGATTCTTCTGC-3'